The following is an entry in ClinVar:

NC_000007.14:g.(?_94628182)_(94628379_?)del

Genes: CASD1 (CAS1 domain sialic acid O acetyltransferase 1; plus strand), SGCE (sarcoglycan epsilon; minus strand). Cytogenetic location: 7q21.3.
Variant type: Deletion.
Identifiers: ClinVar variation 583692 (VCV000583692.5).

ClinVar aggregate classification (germline): Pathogenic (1 of 4 stars; one submission).

Conditions:
Myoclonic dystonia 11 (DYT11). Also called: Myoclonic dystonia; Dystonia 11; Dystonia, alcohol responsive; Hereditary essential myoclonus; SGCE Myoclonus-Dystonia; Myoclonus-Dystonia. Identifiers: Orphanet 36899, MedGen C1834570, MONDO:0008044, OMIM 159900.

Submission:

Labcorp Genetics (formerly Invitae), Labcorp
Classification: Pathogenic for Myoclonic dystonia 11. Last evaluated: 2018-06-29. Review status: criteria provided, single submitter. Criteria: Invitae Variant Classification Sherloc (09022015). Collection method: clinical testing. Allele origin: germline.
Comment: For these reasons, this variant has been classified as Pathogenic. Loss-of-function variants in SGCE are known to be pathogenic (PMID: 12821748, 15389977, 24297365). This variant has not been reported in the literature in individuals with SGCE-related disease. This variant is an out-of-frame deletion of the genomic region encompassing exon 3 of the SGCE gene. This is expected to create a premature translational stop signal and result in an absent or disrupted protein product.

Literature cited by the submitters: PubMed 12821748; PubMed 15389977; PubMed 24297365.